The following is an entry in ClinVar:

ClinVar aggregate classification (germline): Uncertain significance. Review status: criteria provided, multiple submitters, no conflicts (2 of 4 stars). 7 submissions from 7 submitters: Uncertain significance (7). Last evaluated 2025-08-25.

Conditions:
Hereditary cancer-predisposing syndrome. Also called: Hereditary neoplastic syndrome; Neoplastic Syndromes, Hereditary; Tumor predisposition; Hereditary Cancer Syndrome. Identifiers: Orphanet 140162, MedGen C0027672, MeSH D009386, MONDO:0015356.
Familial cancer of breast. Also called: BREAST CANCER, FAMILIAL; Hereditary breast cancer; hereditary breast carcinoma. Identifiers: Orphanet 227535, MedGen C0346153, MONDO:0016419, OMIM 114480. Disease mechanism: loss of function.

Allele frequency attached by ClinVar (database versions not stated): ExAC 0.00001; gnomAD exomes 0.00001; TOPMed 0.00001.
gnomAD v4.1: 15 of 1,613,608 alleles (0.00093%); highest among the groups gnomAD compares: East Asian, 0.0045%; no homozygotes.

Submissions (7):

Labcorp Genetics (formerly Invitae), Labcorp
Classification: Uncertain significance for Familial cancer of breast. Last evaluated: 2025-08-25. Review status: criteria provided, single submitter. Criteria: Invitae Variant Classification Sherloc (09022015). Collection method: clinical testing. Allele origin: germline.
Comment: This sequence change replaces aspartic acid, which is acidic and polar, with asparagine, which is neutral and polar, at codon 532 of the BARD1 protein (p.Asp532Asn). This variant is present in population databases (rs757281184, gnomAD 0.01%). This variant has not been reported in the literature in individuals affected with BARD1-related conditions. ClinVar contains an entry for this variant (Variation ID: 185716). An algorithm developed to predict the effect of missense changes on protein structure and function (PolyPhen-2) suggests that this variant is likely to be disruptive. In summary, the available evidence is currently insufficient to determine the role of this variant in disease. Therefore, it has been classified as a Variant of Uncertain Significance.

Ambry Genetics
Classification: Uncertain significance for Hereditary cancer-predisposing syndrome. Last evaluated: 2024-06-17. Review status: criteria provided, single submitter. Criteria: Ambry Variant Classification Scheme 2023. Collection method: clinical testing. Allele origin: germline.
Comment: The p.D532N variant (also known as c.1594G>A), located in coding exon 7 of the BARD1 gene, results from a G to A substitution at nucleotide position 1594. The aspartic acid at codon 532 is replaced by asparagine, an amino acid with highly similar properties. This amino acid position is highly conserved in available vertebrate species. In addition, the in silico prediction for this alteration is inconclusive. Since supporting evidence is limited at this time, the clinical significance of this alteration remains unclear.

Color Diagnostics, LLC DBA Color Health
Classification: Uncertain significance for Hereditary cancer-predisposing syndrome. Last evaluated: 2024-04-30. Review status: criteria provided, single submitter. Criteria: ACMG Guidelines, 2015. Collection method: clinical testing. Allele origin: germline.
Comment: This missense variant replaces aspartic acid with asparagine at codon 532 of the BARD1 protein. Computational prediction is inconclusive regarding the impact of this variant on protein structure and function. To our knowledge, functional studies have not been performed for this variant. This variant has not been reported in individuals affected with hereditary cancer in the literature. This variant has been identified in 2/251288 chromosomes in the general population by the Genome Aggregation Database (gnomAD). The available evidence is insufficient to determine the role of this variant in disease conclusively. Therefore, this variant is classified as a Variant of Uncertain Significance.

Baylor Genetics
Classification: Uncertain significance for Familial cancer of breast. Last evaluated: 2024-03-05. Review status: criteria provided, single submitter. Criteria: ACMG Guidelines, 2015. Collection method: clinical testing. Allele origin: unknown.

GeneDx
Classification: Uncertain significance. Last evaluated: 2024-01-31. Review status: criteria provided, single submitter. Criteria: GeneDx Variant Classification Process June 2021. Collection method: clinical testing. Allele origin: germline. Affected: yes.
Comment: Not observed at significant frequency in large population cohorts (gnomAD); In silico analysis supports that this missense variant has a deleterious effect on protein structure/function; Has not been previously published as pathogenic or benign to our knowledge; This variant is associated with the following publications: (PMID: 18480049)

Sema4
Classification: Uncertain significance for Hereditary cancer-predisposing syndrome. Last evaluated: 2021-06-24. Review status: criteria provided, single submitter. Criteria: Sema4 Curation Guidelines. Collection method: curation. Allele origin: germline.
Comment: The BARD1 c.1594G>A (p.D532N) variant has not been reported in the literature to our knowledge. This variant was observed in 2/18394 chromosomes in the East Asian population, according to the Genome Aggregation Database (PMID: 32461654). This variant has been reported in ClinVar (Variation ID 185716). In silico tools suggest the impact of the variant on protein function is inconclusive, though these predictions have not been confirmed by functional studies. The overall evidence is insufficient to meet ACMG/AMP criteria for classifying it as benign or pathogenic. In summary, the clinical significance of this variant is currently uncertain.

Mendelics
Classification: Uncertain significance for Familial cancer of breast. Last evaluated: 2018-07-02. Review status: criteria provided, single submitter. Criteria: Mendelics Assertion Criteria 2017. Collection method: clinical testing. Allele origin: unknown.

NM_000465.4(BARD1):c.1594G>A (p.Asp532Asn)

Gene: BARD1 (BRCA1 associated RING domain 1; minus strand). Cytogenetic location: 2q35.
Variant type: single nucleotide variant.
Coding change: c.1594G>A on transcript NM_000465.4 (MANE Select); coding-DNA position 1594, G replaced by A.
Protein change: p.Asp532Asn; replaces aspartic acid 532 with asparagine.
Molecular consequence: missense variant. On other transcripts: non-coding transcript variant (3), intron variant (1).
Genome position (GRCh38, 1-based): chr2:214,752,530, C>T on the plus strand (G>A on the coding strand, the complement: BARD1 is on the minus strand). VCF-style: chr2-214752530-C-T. GRCh37 (hg19) VCF-style: chr2-215617254-C-T.
Other names: c.1537G>A, p.Asp513Asn (NM_001282543.2); c.241G>A, p.Asp81Asn (NM_001282545.2); c.184G>A, p.Asp62Asn (NM_001282548.2); c.365-22022G>A (NM_001282549.2); short protein forms D532N, D62N, D513N, D81N.
Identifiers: ClinVar variation 185716 (VCV000185716.25), dbSNP rs757281184, ClinGen allele CA192712.